The following is an entry in ClinVar:

ClinVar aggregate classification (germline): Uncertain significance (1 of 4 stars; one submission).

Conditions:
Nephronophthisis. Also called: Juvenile Nephronophthisis. Identifiers: Orphanet 655, MedGen C0687120, MONDO:0019005, HP:0000090.

Submission:

Labcorp Genetics (formerly Invitae), Labcorp
Classification: Uncertain significance for Nephronophthisis. Last evaluated: 2025-03-05. Review status: criteria provided, single submitter. Criteria: Invitae Variant Classification Sherloc (09022015). Collection method: clinical testing. Allele origin: germline.
Comment: This sequence change replaces glutamine, which is neutral and polar, with arginine, which is basic and polar, at codon 1150 of the NPHP3 protein (p.Gln1150Arg). This variant is not present in population databases (gnomAD no frequency). This variant has not been reported in the literature in individuals affected with NPHP3-related conditions. Invitae Evidence Modeling of protein sequence and biophysical properties (such as structural, functional, and spatial information, amino acid conservation, physicochemical variation, residue mobility, and thermodynamic stability) indicates that this missense variant is not expected to disrupt NPHP3 protein function with a negative predictive value of 80%. In summary, the available evidence is currently insufficient to determine the role of this variant in disease. Therefore, it has been classified as a Variant of Uncertain Significance.

NM_153240.5(NPHP3):c.3449A>G (p.Gln1150Arg)

Genes: NPHP3 (nephrocystin 3; minus strand), NPHP3-ACAD11 (NPHP3-ACAD11 readthrough (NMD candidate); minus strand). Cytogenetic location: 3q22.1.
Variant type: single nucleotide variant.
Coding change: c.3449A>G on transcript NM_153240.5 (MANE Select); coding-DNA position 3449, A replaced by G.
Protein change: p.Gln1150Arg; replaces glutamine 1150 with arginine.
Molecular consequence: missense variant. On other transcripts: non-coding transcript variant (1).
Genome position (GRCh38, 1-based): chr3:132,684,675, T>C on the plus strand (A>G on the coding strand, the complement: NPHP3 is on the minus strand). VCF-style: chr3-132684675-T-C. GRCh37 (hg19) VCF-style: chr3-132403519-T-C.
Other names: short protein forms Q1150R.
Identifiers: ClinVar variation 4739659 (VCV004739659.1).